The following is an entry in ClinVar:

ClinVar aggregate classification (germline): Conflicting classifications of pathogenicity. Review status: criteria provided, conflicting classifications (1 of 4 stars). 8 submissions from 8 submitters: Uncertain significance (2); Likely benign (3). 3 of the submissions do not count toward it. Last evaluated 2025-12-09.

Conditions:
Hereditary cancer-predisposing syndrome. Also called: Hereditary Cancer Syndrome; Tumor predisposition; Neoplastic Syndromes, Hereditary; Hereditary neoplastic syndrome. Identifiers: Orphanet 140162, MedGen C0027672, MeSH D009386, MONDO:0015356.
Hereditary breast ovarian cancer syndrome. Also called: Breast and ovarian cancer; BRCA1- and BRCA2-Associated Hereditary Breast and Ovarian Cancer; Hereditary breast and ovarian cancer; Hereditary breast and ovarian cancer syndrome (HBOC); Hereditary breast and ovarian cancer syndrome; Hereditary breast and/or ovarian cancer syndrome. Identifiers: Orphanet 145, MedGen C0677776, MeSH D061325, MONDO:0003582. Disease mechanism: loss of function.
Breast-ovarian cancer, familial, susceptibility to, 1 (BROVCA1). Also called: BRCA1 Hereditary Breast and Ovarian Cancer; OVARIAN CANCER, SUSCEPTIBILITY TO. Identifiers: Orphanet 145, MedGen C2676676, MONDO:0011450, OMIM 604370. Disease mechanism: loss of function.
Malignant tumor of breast. Also called: Malignant breast neoplasm; Cancer breast. Identifiers: MedGen C0006142, MONDO:0007254. Disease mechanism: loss of function.

Allele frequency attached by ClinVar (database versions not stated): TOPMed below 0.00001; ESP Exome Variant Server 0.00008.

Submissions (8):

Labcorp Genetics (formerly Invitae), Labcorp
Classification: Uncertain significance for Hereditary breast ovarian cancer syndrome. Last evaluated: 2025-12-09. Review status: criteria provided, single submitter. Criteria: Invitae Variant Classification Sherloc (09022015). Collection method: clinical testing. Allele origin: germline.
Comment: This sequence change replaces glutamic acid, which is acidic and polar, with alanine, which is neutral and non-polar, at codon 1060 of the BRCA1 protein (p.Glu1060Ala). This variant is not present in population databases (gnomAD no frequency). This missense change has been observed in individual(s) with breast and/or ovarian cancer (PMID: 11733976, 15026808, 18703817). ClinVar contains an entry for this variant (Variation ID: 54790). Invitae Evidence Modeling of protein sequence and biophysical properties (such as structural, functional, and spatial information, amino acid conservation, physicochemical variation, residue mobility, and thermodynamic stability) indicates that this missense variant is not expected to disrupt BRCA1 protein function with a negative predictive value of 95%. Experimental studies have shown that this missense change does not substantially affect BRCA1 function (PMID: 23867111). In summary, the available evidence is currently insufficient to determine the role of this variant in disease. Therefore, it has been classified as a Variant of Uncertain Significance.

Ambry Genetics
Classification: Uncertain significance for Hereditary cancer-predisposing syndrome. Last evaluated: 2024-10-17. Review status: criteria provided, single submitter. Criteria: Ambry Variant Classification Scheme 2023. Collection method: clinical testing. Allele origin: germline.
Comment: The p.E1060A variant (also known as c.3179A>C), located in coding exon 9 of the BRCA1 gene, results from an A to C substitution at nucleotide position 3179. The glutamic acid at codon 1060 is replaced by alanine, an amino acid with dissimilar properties. This alteration was identified in an individual diagnosed with ovarian cancer (Smith SA et al. Gynecol Oncol, 2001 Dec;83:586-92). This variant has also been reported in Belgian patients with sporadic breast cancer, familial breast and/or ovarian cancer families and hereditary breast cancer families (Claes K et al. Br. J. Cancer. 2004 Mar;90:1244-51). One study classified this alteration as a variant of unknown significance based on in silico models and co-occurrence data, having been identified to co-occur in cis with a BRCA1 pathogenic mutation (Tavtigian SV et al. J. Med. Genet. 2006 Apr;43:295-305). Another study classified this variant as neutral based on a cisplatin sensitivity assay (Bouwman P et al. Cancer Discov. 2013 Oct;3:1142-55). Of note, this alteration is also designated as 3298A>C in published literature. This amino acid position is well conserved in available vertebrate species. In addition, the in silico prediction for this alteration is inconclusive. Based on the available evidence, the clinical significance of this variant remains unclear.

University of Washington Department of Laboratory Medicine, University of Washington
Classification: Likely benign for Hereditary cancer-predisposing syndrome. Last evaluated: 2023-03-23. Review status: criteria provided, single submitter. Criteria: Dines et al. (Genet Med. 2020). Collection method: curation. Allele origin: germline.
Comment: Missense variant in a coldspot region where missense variants are very unlikely to be pathogenic (PMID:31911673).

BRCA1 coldspot (exon 11 using historical exon numbering). Reclassification based on statistical prior probability

CeGaT Center for Human Genetics Tuebingen
Classification: Likely benign. Last evaluated: 2022-08-01. Review status: criteria provided, single submitter. Criteria: CeGaT Center For Human Genetics Tuebingen Variant Classification Criteria Version 2. Collection method: clinical testing. Allele origin: germline. Affected: yes. Observed: 1 variant allele.
Comment: BRCA1: PM2, BP1, BP2, BS3:Supporting

Color Diagnostics, LLC DBA Color Health
Classification: Likely benign for Hereditary cancer-predisposing syndrome. Last evaluated: 2017-04-05. Review status: criteria provided, single submitter. Criteria: ACMG Guidelines, 2015. Collection method: clinical testing. Allele origin: germline.

Breast Cancer Information Core (BIC) (BRCA1)
Classification: Uncertain significance for Breast-ovarian cancer, familial 1. Last evaluated: 2004-02-20. Review status: no assertion criteria provided. Collection method: clinical testing. Allele origin: germline. Affected: yes. Observed: 3 variant alleles. Not counted in ClinVar's aggregate classification.

Department of Pathology and Laboratory Medicine, Sinai Health System
Classification: Likely benign for Malignant tumor of breast. Review status: no assertion criteria provided. Collection method: clinical testing. Allele origin: unknown. Affected: yes. Observed: 1 variant allele. Study: The Canadian Open Genetics Repository (COGR). Not counted in ClinVar's aggregate classification.
Comment: The p.Glu1060Ala variant has been previously reported in the literature in at least 7 individuals chromosomes from individuals with hereditary breast and ovarian cancer and the variant was observed to co-occur with a second pathogenic variant 7 times (5 were the same pathogenic variant: p.Glu1221X) (Claes 2004, Tavtigian 2006). In addition, the residue is not conserved in mammals or lower oraganisms and computational analyses (PolyPhen, SIFT, AlignGVGD, BLOSUM) provide inconsistent predictions regarding the impact to the protein, but this information is not very predictive of pathogenicity. Further, several publications have looked at conservation as an approach to classifying variants and found the variant to be either non-conservative or of having unknown clinical significance (Burk-Herrick 2006; Judkins 2005).The variant has been reported in dbSNP with limited frequency information (rs80357184); it was also reported in 1/8597 individuals from the exome variant server. In summary, based on the above information, the clinical significance of this variant could not be determined with certainty, although we would lean towards a more benign role for this variant. This variant is predicted benign.

Foulkes Cancer Genetics LDI, Lady Davis Institute for Medical Research
Classification: Likely benign for Breast-ovarian cancer, familial, susceptibility to, 1. Review status: no assertion criteria provided. Collection method: clinical testing. Allele origin: unknown. Affected: yes. Study: The Canadian Open Genetics Repository (COGR). Not counted in ClinVar's aggregate classification.

Literature cited by the submitters: PubMed 11733976 (cited by Labcorp Genetics (formerly Invitae), Labcorp and Ambry Genetics); PubMed 15026808 (cited by Labcorp Genetics (formerly Invitae), Labcorp and Ambry Genetics); PubMed 18703817 (cited by Labcorp Genetics (formerly Invitae), Labcorp); PubMed 23867111 (cited by Labcorp Genetics (formerly Invitae), Labcorp and Ambry Genetics); PubMed 16014699 (cited by Ambry Genetics).

NM_007294.4(BRCA1):c.3179A>C (p.Glu1060Ala)

Gene: BRCA1 (BRCA1 DNA repair associated; minus strand). Cytogenetic location: 17q21.31.
Variant type: single nucleotide variant.
Coding change: c.3179A>C on transcript NM_007294.4 (MANE Select); coding-DNA position 3179, A replaced by C.
Protein change: p.Glu1060Ala; replaces glutamic acid 1060 with alanine.
Molecular consequence: missense variant. On other transcripts: intron variant (137).
Genome position (GRCh38, 1-based): chr17:43,092,352, T>G on the plus strand (A>C on the coding strand, the complement: BRCA1 is on the minus strand). VCF-style: chr17-43092352-T-G. GRCh37 (hg19) VCF-style: chr17-41244369-T-G.
Other names: c.2966A>C, p.Glu989Ala (NM_001407571.1, NM_001407853.1, NM_001407899.1 and 9 more transcripts); c.3179A>C, p.Glu1060Ala (NM_001407581.1, NM_001407582.1, NM_001407583.1 and 30 more transcripts); c.3176A>C, p.Glu1059Ala (NM_001407587.1, NM_001407590.1, NM_001407591.1 and 22 more transcripts); c.3170A>C, p.Glu1057Ala (NM_001407646.1, NM_001407647.1); c.3056A>C, p.Glu1019Ala (NM_001407648.1, NM_001407664.1, NM_001407665.1 and 19 more transcripts); c.3053A>C, p.Glu1018Ala (NM_001407649.1, NM_001407670.1, NM_001407671.1 and 11 more transcripts); c.3101A>C, p.Glu1034Ala (NM_001407653.1, NM_001407654.1, NM_001407655.1 and 4 more transcripts); c.3098A>C, p.Glu1033Ala (NM_001407659.1, NM_001407660.1, NM_001407661.1 and 1 more transcripts); and 41 more; short protein forms E1060A, E1013A, E948A, E949A, E972A, E989A, E990A, E993A.
Identifiers: ClinVar variation 54790 (VCV000054790.45), dbSNP rs80357184, ClinGen allele CA002071.
Genomic context (GRCh38, chr17:43,092,352, plus strand): 5'-AATTTTGGCCCTCTGTTTCTACCTAGTTCTGCTTGAATGTTTTCATCACTGGAACCTATT[T>G]CATTAATACTGGAGCCCACTTCATTAGTACTGGAACCTACTTCATTAATATTGCTTGAGC-3'
Protein context (NP_009225.1, residues 1050-1070): STNEVGSSIN[Glu1060Ala]IGSSDENIQA